The following is an entry in ClinVar:

NM_000135.4(FANCA):c.425G>C (p.Arg142Thr)

Gene: FANCA (FA complementation group A; minus strand). Cytogenetic location: 16q24.3.
Variant type: single nucleotide variant.
Coding change: c.425G>C on transcript NM_000135.4 (MANE Select); coding-DNA position 425, G replaced by C.
Protein change: p.Arg142Thr; replaces arginine 142 with threonine.
Molecular consequence: missense variant.
Genome position (GRCh38, 1-based): chr16:89,810,930, C>G on the plus strand (G>C on the coding strand, the complement: FANCA is on the minus strand). VCF-style: chr16-89810930-C-G. GRCh37 (hg19) VCF-style: chr16-89877338-C-G.
Other names: c.425G>C, p.Arg142Thr (NM_001018112.3, NM_001286167.3, NM_001351830.2); short protein forms R142T.
Identifiers: ClinVar variation 2794740 (VCV002794740.4), dbSNP rs756995764, ClinGen allele CA8253032.

ClinVar aggregate classification (germline): Uncertain significance. Review status: criteria provided, multiple submitters, no conflicts (2 of 4 stars). 2 submissions from 2 submitters: Uncertain significance (2). Last evaluated 2025-02-13.

Conditions:
Inborn genetic diseases. Identifiers: MedGen C0950123, MeSH D030342.
Fanconi anemia (FA). Also called: Fanconi's anemia. Identifiers: Orphanet 84, MedGen C0015625, MeSH D005199, MONDO:0019391.

Allele frequency attached by ClinVar (database versions not stated): ExAC 0.00002.
gnomAD v4.1: 2 of 1,614,180 alleles (0.00012%); highest among the groups gnomAD compares: Non-Finnish European, 0.00017%; no homozygotes.

Submissions (2):

Ambry Genetics
Classification: Uncertain significance for Inborn genetic diseases. Last evaluated: 2025-02-13. Review status: criteria provided, single submitter. Criteria: Ambry Variant Classification Scheme 2023. Collection method: clinical testing. Allele origin: germline.
Comment: The p.R142T variant (also known as c.425G>C), located in coding exon 4 of the FANCA gene, results from a G to C substitution at nucleotide position 425. The arginine at codon 142 is replaced by threonine, an amino acid with similar properties. This amino acid position is conserved. In addition, this alteration is predicted to be tolerated by in silico analysis. Based on the available evidence, the clinical significance of this variant remains unclear.

Labcorp Genetics (formerly Invitae), Labcorp
Classification: Uncertain significance for Fanconi anemia. Last evaluated: 2023-04-04. Review status: criteria provided, single submitter. Criteria: Invitae Variant Classification Sherloc (09022015). Collection method: clinical testing. Allele origin: germline.
Comment: An algorithm developed to predict the effect of missense changes on protein structure and function (PolyPhen-2) suggests that this variant is likely to be tolerated. This sequence change replaces arginine, which is basic and polar, with threonine, which is neutral and polar, at codon 142 of the FANCA protein (p.Arg142Thr). This variant is present in population databases (rs756995764, gnomAD 0.002%). This variant has not been reported in the literature in individuals affected with FANCA-related conditions. In summary, the available evidence is currently insufficient to determine the role of this variant in disease. Therefore, it has been classified as a Variant of Uncertain Significance.